The following is an entry in ClinVar:

ClinVar aggregate classification (germline): Benign (1 of 4 stars; one submission).

Allele frequency attached by ClinVar (database versions not stated): 1000 Genomes Project 0.00719; 1000 Genomes Project 30x 0.00781; TOPMed 0.00889; gnomAD 0.01027; ESP Exome Variant Server 0.01046; ExAC 0.01163; gnomAD exomes 0.01454.
gnomAD v4.1: 22,789 of 1,614,132 alleles (1.4%); highest among the groups gnomAD compares: Non-Finnish European, 1.5%; 209 homozygotes.

Submission:

CeGaT Center for Human Genetics Tuebingen
Classification: Benign. Last evaluated: 2023-02-01. Review status: criteria provided, single submitter. Criteria: CeGaT Center For Human Genetics Tuebingen Variant Classification Criteria Version 2. Collection method: clinical testing. Allele origin: germline. Affected: yes. Observed: 3 variant alleles.
Comment: ADH1C: BP4, BP7, BS1, BS2

NM_000669.5(ADH1C):c.678C>T (p.Asn226=)

Gene: ADH1C (alcohol dehydrogenase 1C (class I), gamma polypeptide; minus strand). Cytogenetic location: 4q23.
Variant type: single nucleotide variant.
Coding change: c.678C>T on transcript NM_000669.5 (MANE Select); coding-DNA position 678, C replaced by T.
Protein change: p.Asn226=; no amino-acid change (asparagine 226 retained).
Molecular consequence: synonymous variant. On other transcripts: non-coding transcript variant (1).
Genome position (GRCh38, 1-based): chr4:99,342,945, G>A on the plus strand (C>T on the coding strand, the complement: ADH1C is on the minus strand). VCF-style: chr4-99342945-G-A. GRCh37 (hg19) VCF-style: chr4-100264102-G-A.
Identifiers: ClinVar variation 2654966 (VCV002654966.24), dbSNP rs6413444, ClinGen allele CA3020329.
Genomic context (GRCh38, chr4:99,342,945, plus strand): 5'-GTCTTGAGGGTTGATGCATTCAGTGGCACCCAACTCTTTAGCCTTTGCAAATTTGTCCTT[G>A]TTGATGTCCACAGCAATGATTCTGGCTGCTCCAGCTGCTTTACAGCCCATAACAACAGAT-3'
Protein context (NP_000660.1, residues 216-236): GAARIIAVDI[Asn226=]KDKFAKAKEL